The following is an entry in ClinVar:

NM_000256.3(MYBPC3):c.3662del (p.Leu1221fs)

Gene: MYBPC3 (myosin binding protein C3; minus strand). Cytogenetic location: 11p11.2.
Variant type: Deletion.
Coding change: c.3662del on transcript NM_000256.3 (MANE Select); coding-DNA position 3662, one base deleted (T; older notation c.3662delT).
Protein change: p.Leu1221fs; shifts the reading frame from leucine 1221.
Molecular consequence: frameshift variant.
Genome position (GRCh38, 1-based): chr11:47,332,224, A deleted on the plus strand (T on the coding strand, the reverse complement: MYBPC3 is on the minus strand). VCF-style (leftmost placement, unchanged base first): chr11-47332223-CA-C. GRCh37 (hg19) VCF-style: chr11-47353774-CA-C.
Other names: c.3662delT (NM_000256.3); c.3662_3662del (NM_000256.3); short protein forms L1221fs.
Identifiers: ClinVar variation 217479 (VCV000217479.12), dbSNP rs863225107, ClinGen allele CA279321.
Genomic context (GRCh38, chr11:47,332,223, plus strand): 5'-TCTAATCTCCAGAGTCAACACTCCCTGCTTGCTGAACATGCGGAAGCGGGCGTCTTCTCC[CA>C]GGTCCAGGCCATTCTTGAACCAGGAAATCTTGGGCTATAAATAAGGTAAAGAGAGGGAGG-3'

ClinVar aggregate classification (germline): Pathogenic/Likely pathogenic. Review status: criteria provided, multiple submitters, no conflicts (2 of 4 stars). 4 submissions from 4 submitters: Pathogenic (3); Likely pathogenic (1). Last evaluated 2025-03-14.

Conditions:
Cardiovascular phenotype. Identifiers: MedGen CN230736.
Hypertrophic cardiomyopathy 4. Also called: Familial hypertrophic cardiomyopathy 4. Identifiers: MedGen C1861862, MONDO:0007268, OMIM 115197.
Hypertrophic cardiomyopathy. Also called: HYPERTROPHIC MYOCARDIOPATHY. Identifiers: Orphanet 217569, MedGen C0007194, MeSH D002312, MONDO:0005045, HP:0001639.

Submissions (4):

OLLIN Analises Genomicas, OLLIN
Classification: Pathogenic for Hypertrophic cardiomyopathy 4. Last evaluated: 2025-03-14. Review status: criteria provided, single submitter. Criteria: ACMG Guidelines 2015 PMID 25741868. Collection method: clinical testing. Allele origin: germline. Affected: yes. Observed: 1 variant allele.
Comment: The frameshift variant (chr11:47332223CA>C), located in exon 33 (of 35), absent in gnomAD v4.1 non-UKB, is reported in ClinVar (VCV000217479.11) and in the scientific literature in individuals with hypertrophic cardiomyopathy (PMID: 24093860). This variant promotes a frameshift with subsequent introduction of a premature stop codon, resulting in a truncated protein or mRNA degradation via nonsense-mediated decay (NMD). According to currently available evidence and the specific ClinGen criteria for the gene (PMID: 29300372), this variant has been classified as pathogenic (PVS1, PS4_P, PM2_P).

Ambry Genetics
Classification: Pathogenic for Cardiovascular phenotype. Last evaluated: 2024-05-06. Review status: criteria provided, single submitter. Criteria: Ambry Variant Classification Scheme 2023. Collection method: clinical testing. Allele origin: germline.
Comment: The c.3662delT pathogenic mutation, located in coding exon 33 of the MYBPC3 gene, results from a deletion of one nucleotide at nucleotide position 3662, causing a translational frameshift with a predicted alternate stop codon (p.L1221Rfs*16). This alteration has been reported in hypertrophic cardiomyopathy (HCM) cohort (Marsiglia JD et al. Am Heart J, 2013 Oct;166:775-82; Ho CY et al. Circulation, 2018 Oct;138:1387-1398). This variant is considered to be rare based on population cohorts in the Genome Aggregation Database (gnomAD). In addition to the clinical data presented in the literature, this alteration is expected to result in loss of function by premature protein truncation or nonsense-mediated mRNA decay. As such, this alteration is interpreted as a disease-causing mutation.

Labcorp Genetics (formerly Invitae), Labcorp
Classification: Pathogenic for Hypertrophic cardiomyopathy. Last evaluated: 2023-10-13. Review status: criteria provided, single submitter. Criteria: Invitae Variant Classification Sherloc (09022015). Collection method: clinical testing. Allele origin: germline.
Comment: This sequence change creates a premature translational stop signal (p.Leu1221Argfs*16) in the MYBPC3 gene. It is expected to result in an absent or disrupted protein product. Loss-of-function variants in MYBPC3 are known to be pathogenic (PMID: 19574547). This variant is not present in population databases (gnomAD no frequency). This premature translational stop signal has been observed in individual(s) with hypertrophic cardiomyopathy (PMID: 24093860, 30297972). ClinVar contains an entry for this variant (Variation ID: 217479). For these reasons, this variant has been classified as Pathogenic.

Laboratory of Genetics and Molecular Cardiology, University of São Paulo
Classification: Likely pathogenic for Hypertrophic cardiomyopathy 4. Review status: criteria provided, single submitter. Criteria: LGCM Criteria August 2015. Collection method: clinical testing. Allele origin: germline. Inheritance: Autosomal dominant inheritance. Affected: yes. Observed: 6 variant alleles. Study: Sarcomeric Human Cardiomyopathy Registry (ShaRe).

Literature cited by the submitters: PubMed 24093860 (cited by 3 submitters); PubMed 29300372 (cited by OLLIN Analises Genomicas, OLLIN); PubMed 30297972 (cited by Ambry Genetics and Labcorp Genetics (formerly Invitae), Labcorp); PubMed 19574547 (cited by Labcorp Genetics (formerly Invitae), Labcorp).